The following is an entry in ClinVar:

ClinVar aggregate classification (germline): Uncertain significance (1 of 4 stars; one submission).

Submission:

Labcorp Genetics (formerly Invitae), Labcorp
Classification: Uncertain significance. Last evaluated: 2022-01-11. Review status: criteria provided, single submitter. Criteria: Invitae Variant Classification Sherloc (09022015). Collection method: clinical testing. Allele origin: germline.
Comment: In summary, the available evidence is currently insufficient to determine the role of this variant in disease. Therefore, it has been classified as a Variant of Uncertain Significance. Algorithms developed to predict the effect of missense changes on protein structure and function (SIFT, PolyPhen-2, Align-GVGD) all suggest that this variant is likely to be tolerated. This variant has not been reported in the literature in individuals affected with DTNBP1-related conditions. This variant is not present in population databases (gnomAD no frequency). This sequence change replaces cysteine, which is neutral and slightly polar, with tryptophan, which is neutral and slightly polar, at codon 147 of the DTNBP1 protein (p.Cys147Trp).

NM_032122.5(DTNBP1):c.441C>G (p.Cys147Trp)

Gene: DTNBP1 (dystrobrevin binding protein 1; minus strand). Cytogenetic location: 6p22.3.
Variant type: single nucleotide variant.
Coding change: c.441C>G on transcript NM_032122.5 (MANE Select); coding-DNA position 441, C replaced by G.
Protein change: p.Cys147Trp; replaces cysteine 147 with tryptophan.
Molecular consequence: missense variant. On other transcripts: non-coding transcript variant (1).
Genome position (GRCh38, 1-based): chr6:15,615,314, G>C on the plus strand (C>G on the coding strand, the complement: DTNBP1 is on the minus strand). VCF-style: chr6-15615314-G-C. GRCh37 (hg19) VCF-style: chr6-15615545-G-C.
Other names: c.390C>G, p.Cys130Trp (NM_001271668.2); c.336C>G, p.Cys112Trp (NM_001271669.2); c.441C>G, p.Cys147Trp (NM_183040.2); c.198C>G, p.Cys66Trp (NM_001271667.2); short protein forms C112W, C130W, C147W, C66W.
Identifiers: ClinVar variation 1492773 (VCV001492773.8), dbSNP rs2113702257, ClinGen allele CA362799781.